The following is an entry in ClinVar:

ClinVar aggregate classification (germline): Pathogenic/Likely pathogenic. Review status: criteria provided, multiple submitters, no conflicts (2 of 4 stars). 2 submissions from 2 submitters: Pathogenic (1); Likely pathogenic (1). Last evaluated 2024-06-23.

Conditions:
Inborn genetic diseases. Identifiers: MedGen C0950123, MeSH D030342.
Legius syndrome. Identifiers: Orphanet 137605, MedGen C1969623, MONDO:0012669, OMIM 611431. Disease mechanism: loss of function.

gnomAD v4.1: 1 of 1,613,878 alleles (0.000062%); highest among the groups gnomAD compares: Non-Finnish European, 0.000085%; no homozygotes.

Submissions (2):

Labcorp Genetics (formerly Invitae), Labcorp
Classification: Pathogenic for Legius syndrome. Last evaluated: 2024-06-23. Review status: criteria provided, single submitter. Criteria: Invitae Variant Classification Sherloc (09022015). Collection method: clinical testing. Allele origin: germline.
Comment: This sequence change replaces threonine, which is neutral and polar, with arginine, which is basic and polar, at codon 102 of the SPRED1 protein (p.Thr102Arg). This variant is not present in population databases (gnomAD no frequency). This missense change has been observed in individuals with Legius syndrome (PMID: 19920235; Invitae). ClinVar contains an entry for this variant (Variation ID: 520837). Advanced modeling performed at Invitae incorporating data from internal and/or published experimental studies (Invitae) indicates that this missense variant is expected to disrupt SPRED1 function with a positive predictive value of 95%. Experimental studies have shown that this missense change affects SPRED1 function (PMID: 19920235, 21089071, 22751498, 31401120). This variant disrupts the p.Thr102 amino acid residue in SPRED1. Other variant(s) that disrupt this residue have been observed in individuals with SPRED1-related conditions (PMID: 2275304, 21548021, 26635368), which suggests that this may be a clinically significant amino acid residue. For these reasons, this variant has been classified as Pathogenic.

Ambry Genetics
Classification: Likely pathogenic for Inborn genetic diseases. Last evaluated: 2016-01-15. Review status: criteria provided, single submitter. Criteria: Ambry exome assertion method (8-5-2015). Collection method: clinical testing. Allele origin: germline. Affected: yes. Observed: 1 variant allele.

Literature cited by the submitters: PubMed 19920235 (cited by Labcorp Genetics (formerly Invitae), Labcorp and Ambry Genetics); PubMed 21089071 (cited by Labcorp Genetics (formerly Invitae), Labcorp); PubMed 22751498 (cited by Labcorp Genetics (formerly Invitae), Labcorp); PubMed 31401120 (cited by Labcorp Genetics (formerly Invitae), Labcorp); PubMed 2275304 (cited by Labcorp Genetics (formerly Invitae), Labcorp); PubMed 21548021 (cited by Labcorp Genetics (formerly Invitae), Labcorp); PubMed 26635368 (cited by Labcorp Genetics (formerly Invitae), Labcorp).

NM_152594.3(SPRED1):c.305C>G (p.Thr102Arg)

Gene: SPRED1 (sprouty related EVH1 domain containing 1; plus strand). Cytogenetic location: 15q14.
Variant type: single nucleotide variant.
Coding change: c.305C>G on transcript NM_152594.3 (MANE Select); coding-DNA position 305, C replaced by G.
Protein change: p.Thr102Arg; replaces threonine 102 with arginine.
Molecular consequence: missense variant.
Genome position (GRCh38, 1-based): chr15:38,322,338, C>G. VCF-style: chr15-38322338-C-G. GRCh37 (hg19) VCF-style: chr15-38614539-C-G.
Other names: short protein forms T102R.
Identifiers: ClinVar variation 520837 (VCV000520837.12), dbSNP rs754706111, ClinGen allele CA391932107.